The following is an entry in ClinVar:

NM_004333.6(BRAF):c.981-20C>T

Genes: BRAF (B-Raf proto-oncogene, serine/threonine kinase; minus strand), LOC126860202 (BRD4-independent group 4 enhancer GRCh37_chr7:140493623-140494822; plus strand). Cytogenetic location: 7q34.
Variant type: single nucleotide variant.
Coding change: c.981-20C>T on transcript NM_004333.6 (MANE Select); 20 bases into the intron before coding-DNA position 981, C replaced by T.
Molecular consequence: intron variant.
Genome position (GRCh38, 1-based): chr7:140,794,487, G>A on the plus strand (C>T on the coding strand, the complement: BRAF is on the minus strand). VCF-style: chr7-140794487-G-A. GRCh37 (hg19) VCF-style: chr7-140494287-G-A.
Other names: c.981-20C>T (NM_001378474.1, NM_001378471.1, NM_001378468.1 and 4 more transcripts); c.879-20C>T (NM_001378470.1); c.717-20C>T (NM_001378475.1); c.990-20C>T (NM_001378467.1); c.825-20C>T (NM_001378472.1, NM_001378473.1).
Identifiers: ClinVar variation 180780 (VCV000180780.12), dbSNP rs374896031, ClinGen allele CA295898.

ClinVar aggregate classification (germline): Benign/Likely benign. Review status: criteria provided, multiple submitters, no conflicts (2 of 4 stars). 5 submissions from 5 submitters: Benign (3); Likely benign (2). Last evaluated 2026-01-06.

Conditions:
Colorectal cancer. Also called: Colorectal cancer, somatic; Malignant Colorectal Neoplasm. Identifiers: MedGen C0346629, MONDO:0005575, OMIM 114500.
Lung cancer. Also called: Lung cancer, somatic; Malignant tumor of lung. Identifiers: MedGen C0242379, MONDO:0008903, OMIM 211980.
Noonan syndrome 7 (NS7). Also called: BRAF-Related Noonan Syndrome. Identifiers: Orphanet 648, MedGen C3150970, MONDO:0013379, OMIM 613706.
LEOPARD syndrome 3 (LPRD3). Identifiers: Orphanet 500, MedGen C3150971, MONDO:0013380, OMIM 613707.
Cardiofaciocutaneous syndrome 1 (CFC1). Also called: BRAF-Related Cardiofaciocutaneous Syndrome. Identifiers: Orphanet 1340, MedGen CN029449, MONDO:0007265, OMIM 115150. Disease mechanism: gain of function.
Melanoma, cutaneous malignant, susceptibility to, 1 (CMM1). Also called: MELANOMA, MALIGNANT; B-K MOLE SYNDROME; DYSPLASTIC NEVUS SYNDROME, HEREDITARY; FAMILIAL ATYPICAL MOLE-MALIGNANT MELANOMA SYNDROME. Identifiers: Orphanet 618, MedGen C1835047, MONDO:0007963, OMIM 155600.
Noonan syndrome 1 (NS1). Also called: PTPN11-Related Noonan Syndrome; TURNER PHENOTYPE WITH NORMAL KARYOTYPE; FEMALE PSEUDO-TURNER SYNDROME. Identifiers: Orphanet 648, MedGen C4551602, MONDO:0008104, OMIM 163950. Disease mechanism: gain of function.
RASopathy. Also called: rasopathies; Noonan spectrum disorder. Identifiers: Orphanet 536391, MedGen C5555857, MONDO:0021060.

Allele frequency attached by ClinVar (database versions not stated): 1000 Genomes Project 30x 0.00047; 1000 Genomes Project 0.00060; gnomAD 0.00060 and 0.00066; TOPMed 0.00062; ESP Exome Variant Server 0.00115; gnomAD exomes 0.00003 and 0.00018; ExAC 0.00022.
gnomAD v4.1: 145 of 1,612,264 alleles (0.009%); highest among the groups gnomAD compares: African/African-American, 0.17%; 1 homozygote.

Submissions (5):

Labcorp Genetics (formerly Invitae), Labcorp
Classification: Benign for RASopathy. Last evaluated: 2026-01-06. Review status: criteria provided, single submitter. Criteria: Invitae Variant Classification Sherloc (09022015). Collection method: clinical testing. Allele origin: germline.

Women's Health and Genetics/Laboratory Corporation of America, LabCorp
Classification: Benign. Last evaluated: 2023-06-18. Review status: criteria provided, single submitter. Criteria: LabCorp Variant Classification Summary - May 2015. Collection method: clinical testing. Allele origin: germline.

Blueprint Genetics
Classification: Likely benign. Last evaluated: 2023-05-26. Review status: criteria provided, single submitter. Criteria: ACMG Guidelines, 2015. Collection method: clinical testing. Allele origin: germline.

Fulgent Genetics
Classification: Likely benign for Colorectal cancer; Cardiofaciocutaneous syndrome 1; Melanoma, cutaneous malignant, susceptibility to, 1; Noonan syndrome 1; Lung cancer; Noonan syndrome 7; LEOPARD syndrome 3. Last evaluated: 2021-08-05. Review status: criteria provided, single submitter. Criteria: ACMG Guidelines, 2015. Collection method: clinical testing. Allele origin: unknown.

GeneDx
Classification: Benign. Last evaluated: 2014-09-17. Review status: criteria provided, single submitter. Criteria: GeneDx Variant Classification (06012015). Collection method: clinical testing. Allele origin: germline. Affected: yes.
Comment: This variant is considered likely benign or benign based on one or more of the following criteria: it is a conservative change, it occurs at a poorly conserved position in the protein, it is predicted to be benign by multiple in silico algorithms, and/or has population frequency not consistent with disease.

Literature cited by the submitters: PubMed 24920063 (cited by Women's Health and Genetics/Laboratory Corporation of America, LabCorp).